The following is an entry in ClinVar:

ClinVar aggregate classification (germline): Uncertain significance (1 of 4 stars; one submission).

Conditions:
Dyskeratosis congenita, autosomal recessive 1. Identifiers: Orphanet 1775, MedGen C1857144, MONDO:0009136, OMIM 224230.

Submission:

Labcorp Genetics (formerly Invitae), Labcorp
Classification: Uncertain significance for Dyskeratosis congenita, autosomal recessive 1. Last evaluated: 2021-08-04. Review status: criteria provided, single submitter. Criteria: Invitae Variant Classification Sherloc (09022015). Collection method: clinical testing. Allele origin: germline.
Comment: A copy number gain of the genomic region encompassing the full coding sequence of the NOP10 gene has been identified. The boundaries of this event are unknown as they extend beyond the assayed region for this gene and therefore may encompass additional genes. As the precise location of this event is unknown, it may be in tandem or it may be located elsewhere in the genome. This variant has not been reported in the literature in individuals affected with NOP10-related conditions. In summary, the available evidence is currently insufficient to determine the role of this variant in disease. Therefore, it has been classified as a Variant of Uncertain Significance.

NC_000015.9:g.(?_34634169)_(34635274_?)dup

Gene: NOP10 (NOP10 ribonucleoprotein; minus strand). Cytogenetic location: 15q14.
Variant type: Duplication.
Identifiers: ClinVar variation 1449170 (VCV001449170.1).